The following is an entry in ClinVar:

ClinVar aggregate classification (germline): Likely benign (1 of 4 stars; one submission).

Allele frequency attached by ClinVar (database versions not stated): gnomAD exomes 0.00002; TOPMed 0.00002; gnomAD 0.00003.
gnomAD v4.1: 36 of 1,537,182 alleles (0.0023%); highest among the groups gnomAD compares: African/African-American, 0.0027%; no homozygotes.

Submission:

CeGaT Center for Human Genetics Tuebingen
Classification: Likely benign. Last evaluated: 2022-11-01. Review status: criteria provided, single submitter. Criteria: CeGaT Center For Human Genetics Tuebingen Variant Classification Criteria Version 2. Collection method: clinical testing. Allele origin: germline. Affected: yes. Observed: 1 variant allele.
Comment: STARD9: BP4, BP7

NM_020759.3(STARD9):c.6519G>A (p.Ser2173=)

Gene: STARD9 (StAR related lipid transfer domain containing 9; plus strand). Cytogenetic location: 15q15.2.
Variant type: single nucleotide variant.
Coding change: c.6519G>A on transcript NM_020759.3 (MANE Select); coding-DNA position 6519, G replaced by A.
Protein change: p.Ser2173=; no amino-acid change (serine 2173 retained).
Molecular consequence: synonymous variant.
Genome position (GRCh38, 1-based): chr15:42,688,097, G>A. VCF-style: chr15-42688097-G-A. GRCh37 (hg19) VCF-style: chr15-42980295-G-A.
Identifiers: ClinVar variation 2645243 (VCV002645243.24), dbSNP rs1210828847, ClinGen allele CA490006323.
Genomic context (GRCh38, chr15:42,688,097, plus strand): 5'-GTCAAGGGAAGGTGTACGAGAGAGTGAACCTGTGAGAGAGCACACCCACCCAGCTGGATC[G>A]GACAGACCTGCCAGGGATATTTGTGATTCTTTAGGGAAACACACAACTTGCAGAGAGTTC-3'
Protein context (NP_065810.2, residues 2163-2183): PVREHTHPAG[Ser2173=]DRPARDICDS